The following is an entry in ClinVar:

ClinVar aggregate classification (germline): Likely pathogenic (1 of 4 stars; one submission).

Conditions:
Classic homocystinuria. Also called: Homocystinuria due to Cystathionine Beta-Synthase Deficiency; HOMOCYSTINURIA WITH OR WITHOUT RESPONSE TO PYRIDOXINE; Homocystinuria due to CBS deficiency; Cystathionine beta-synthase deficiency; CBS deficiency. Identifiers: Orphanet 394, MedGen C0751202, MONDO:0009352, OMIM 236200.

Submission:

Laboratory for Molecular Medicine, Mass General Brigham Personalized Medicine
Classification: Likely pathogenic for Classic homocystinuria. Last evaluated: 2022-06-30. Review status: criteria provided, single submitter. Criteria: ACMG Guidelines, 2015. Collection method: clinical testing. Allele origin: germline.
Comment: The c.955-2A>T variant in CBS has not been previously reported in individuals with classic homocystinuria and was absent from large population studies. This variant occurs within the canonical splice site (+/- 1,2) and is predicted to cause altered splicing leading to an abnormal or absent protein. Loss of function of the CBS gene is an established disease mechanism in autosomal recessive homocystinuria. In summary, although additional studies are required to fully establish its clinical significance, this variant meets criteria to be classified as likely pathogenic for autosomal recessive classic homocystinuria. ACMG/AMP criteria applied: PVS1_Strong, PM2_Supporting.

NM_000071.3(CBS):c.955-2A>T

Gene: CBS (cystathionine beta-synthase; minus strand). Cytogenetic location: 21q22.3.
Variant type: single nucleotide variant.
Coding change: c.955-2A>T on transcript NM_000071.3 (MANE Select); the canonical splice acceptor site of the intron before coding-DNA position 955, A replaced by T.
Molecular consequence: splice acceptor variant.
Genome position (GRCh38, 1-based): chr21:43,062,397, T>A on the plus strand (A>T on the coding strand, the complement: CBS is on the minus strand). VCF-style: chr21-43062397-T-A. GRCh37 (hg19) VCF-style: chr21-44482507-T-A.
Other names: c.955-2A>T (NM_001320298.2, NM_001178009.3, NM_001178008.3); c.640-2A>T (NM_001321072.1).
Identifiers: ClinVar variation 3075864 (VCV003075864.1), dbSNP rs2517425362, ClinGen allele CA410599925.